The following is an entry in ClinVar:

ClinVar aggregate classification (germline): Likely benign. Review status: criteria provided, single submitter (1 of 4 stars). 2 submissions from 2 submitters: Likely benign (1). 1 of the submissions does not count toward it. Last evaluated 2026-05-01.

Conditions:
ARV1-related disorder. Also called: ARV1-related condition. Identifiers: MedGen CN235539.

Allele frequency attached by ClinVar (database versions not stated): gnomAD exomes 0.00003; TOPMed 0.00005; ExAC 0.00008.

Submissions (2):

CeGaT Center for Human Genetics Tuebingen
Classification: Likely benign. Last evaluated: 2026-05-01. Review status: criteria provided, single submitter. Criteria: CeGaT Center For Human Genetics Tuebingen Variant Classification Criteria Version 2. Collection method: clinical testing. Allele origin: germline. Affected: yes. Observed: 1 variant allele.
Comment: ARV1: BP4, BP7

PreventionGenetics, part of Exact Sciences
Classification: Likely benign for ARV1-related condition. Last evaluated: 2019-09-06. Review status: no assertion criteria provided. Collection method: clinical testing. Allele origin: germline. Not counted in ClinVar's aggregate classification.
Comment: This variant is classified as likely benign based on ACMG/AMP sequence variant interpretation guidelines (Richards et al. 2015 PMID: 25741868, with internal and published modifications).

NM_022786.3(ARV1):c.9C>T (p.Asn3=)

Genes: ARV1 (ARV1 fatty acid homeostasis modulator; plus strand), LOC129932761 (ATAC-STARR-seq lymphoblastoid active region 2721; plus strand). Cytogenetic location: 1q42.2.
Variant type: single nucleotide variant.
Coding change: c.9C>T on transcript NM_022786.3 (MANE Select); coding-DNA position 9, C replaced by T.
Protein change: p.Asn3=; no amino-acid change (asparagine 3 retained).
Molecular consequence: synonymous variant. On other transcripts: non-coding transcript variant (1).
Genome position (GRCh38, 1-based): chr1:230,979,114, C>T. VCF-style: chr1-230979114-C-T. GRCh37 (hg19) VCF-style: chr1-231114860-C-T.
Other names: c.9C>T, p.Asn3= (NM_001346992.2).
Identifiers: ClinVar variation 3053876 (VCV003053876.4), dbSNP rs368096556, ClinGen allele CA1450343.